The following is an entry in ClinVar:

NM_001374736.1(DST):c.17552A>G (p.Asp5851Gly)

Gene: DST (dystonin; minus strand). Cytogenetic location: 6p12.1.
Variant type: single nucleotide variant.
Coding change: c.17552A>G on transcript NM_001374736.1 (MANE Select); coding-DNA position 17552, A replaced by G.
Protein change: p.Asp5851Gly; replaces aspartic acid 5851 with glycine.
Molecular consequence: missense variant. On other transcripts: intron variant (2).
Genome position (GRCh38, 1-based): chr6:56,529,491, T>C on the plus strand (A>G on the coding strand, the complement: DST is on the minus strand). VCF-style: chr6-56529491-T-C. GRCh37 (hg19) VCF-style: chr6-56394289-T-C.
Other names: c.11195A>G, p.Asp3732Gly (NM_001144769.5); c.10781A>G, p.Asp3594Gly (NM_001144770.2); c.17552A>G, p.Asp5851Gly (NM_001374722.1); c.17579A>G, p.Asp5860Gly (NM_001374734.1); c.10661A>G, p.Asp3554Gly (NM_001386100.1, NM_183380.4); c.9683A>G, p.Asp3228Gly (NM_015548.5); c.10377+483A>G (NM_001374730.1); c.16635+483A>G (NM_001374729.1); short protein forms D5851G, D3594G, D3228G, D3554G, D5860G, D3732G.
Identifiers: ClinVar variation 1998661 (VCV001998661.4), dbSNP rs2534829331, ClinGen allele CA364507812.

ClinVar aggregate classification (germline): Uncertain significance (1 of 4 stars; one submission).

Conditions:
Epidermolysis bullosa simplex 3, localized or generalized intermediate, with BP230 deficiency (EBS3). Also called: Epidermolysis bullosa simplex, autosomal recessive 2; Epidermolysis bullosa simplex due to BP230 deficiency. Identifiers: Orphanet 412181, MedGen C3809470, MONDO:0014180, OMIM 615425.
Hereditary sensory and autonomic neuropathy type 6. Also called: Neuropathy, hereditary sensory and autonomic, type VI; HSAN VI. Identifiers: Orphanet 314381, MedGen C3539003, MONDO:0013839, OMIM 614653.

Submission:

Labcorp Genetics (formerly Invitae), Labcorp
Classification: Uncertain significance for Epidermolysis bullosa simplex 3, localized or generalized intermediate, with BP230 deficiency; Hereditary sensory and autonomic neuropathy type 6. Last evaluated: 2022-05-25. Review status: criteria provided, single submitter. Criteria: Invitae Variant Classification Sherloc (09022015). Collection method: clinical testing. Allele origin: germline.
Comment: In summary, the available evidence is currently insufficient to determine the role of this variant in disease. Therefore, it has been classified as a Variant of Uncertain Significance. Experimental studies and prediction algorithms are not available or were not evaluated, and the functional significance of this variant is currently unknown. This variant has not been reported in the literature in individuals affected with DST-related conditions. This variant is not present in population databases (gnomAD no frequency). This sequence change replaces aspartic acid, which is acidic and polar, with glycine, which is neutral and non-polar, at codon 3228 of the DST protein (p.Asp3228Gly). The DST gene has multiple clinically relevant transcripts. This variant occurs in alternate transcript NM_015548.4, and corresponds to NM_001723.5:c.*86026A>G in the primary transcript.